The following is an entry in ClinVar:

NM_001184.4(ATR):c.3387C>T (p.Gly1129=)

Gene: ATR (ATR checkpoint kinase; minus strand). Cytogenetic location: 3q23.
Variant type: single nucleotide variant.
Coding change: c.3387C>T on transcript NM_001184.4 (MANE Select); coding-DNA position 3387, C replaced by T.
Protein change: p.Gly1129=; no amino-acid change (glycine 1129 retained).
Molecular consequence: synonymous variant.
Genome position (GRCh38, 1-based): chr3:142,542,728, G>A on the plus strand (C>T on the coding strand, the complement: ATR is on the minus strand). VCF-style: chr3-142542728-G-A. GRCh37 (hg19) VCF-style: chr3-142261570-G-A.
Other names: c.3195C>T, p.Gly1065= (NM_001354579.2).
Identifiers: ClinVar variation 1470343 (VCV001470343.5), dbSNP rs753705711, ClinGen allele CA2650121.

ClinVar aggregate classification (germline): Uncertain significance (1 of 4 stars; one submission).

Allele frequency attached by ClinVar (database versions not stated): gnomAD exomes below 0.00001 and 0.00001; ExAC 0.00001; gnomAD 0.00001; TOPMed 0.00004.
gnomAD v4.1: 6 of 1,612,816 alleles (0.00037%); highest among the groups gnomAD compares: African/African-American, 0.008%; no homozygotes.

Submission:

Labcorp Genetics (formerly Invitae), Labcorp
Classification: Uncertain significance. Last evaluated: 2021-08-13. Review status: criteria provided, single submitter. Criteria: Invitae Variant Classification Sherloc (09022015). Collection method: clinical testing. Allele origin: germline.
Comment: This sequence change affects codon 1129 of the ATR mRNA. It is a 'silent' change, meaning that it does not change the encoded amino acid sequence of the ATR protein. This variant is present in population databases (rs753705711, ExAC 0.01%). This variant has not been reported in the literature in individuals affected with ATR-related conditions. Algorithms developed to predict the effect of sequence changes on RNA splicing suggest that this variant may create or strengthen a splice site. In summary, the available evidence is currently insufficient to determine the role of this variant in disease. Therefore, it has been classified as a Variant of Uncertain Significance.